The following is an entry in ClinVar:

NM_002890.3(RASA1):c.828+1G>T

Genes: CCNH (cyclin H; minus strand), RASA1 (RAS p21 protein activator 1; plus strand). Cytogenetic location: 5q14.3.
Variant type: single nucleotide variant.
Coding change: c.828+1G>T on transcript NM_002890.3 (MANE Select); the canonical splice donor site of the intron after coding-DNA position 828, G replaced by T.
Molecular consequence: splice donor variant. On other transcripts: intron variant (1).
Genome position (GRCh38, 1-based): chr5:87,332,643, G>T. VCF-style: chr5-87332643-G-T. GRCh37 (hg19) VCF-style: chr5-86628460-G-T.
Other names: c.297+1G>T (NM_022650.3); c.934-19848C>A (NM_001364075.2).
Identifiers: ClinVar variation 2068977 (VCV002068977.4), dbSNP rs2112369549, ClinGen allele CA360377897.
Genomic context (GRCh38, chr5:87,332,643, plus strand): 5'-AGTCATGTTTCTTGTTTGCTTAAAGGAGAAAAATTACTTTACCCAGTTGCACCACCAGAG[G>T]CAAGTAAAATGAATAAAATATCTTTCAAAACTTTATTTTTTCAGTACAATAATGGTTTTA-3'

ClinVar aggregate classification (germline): Likely pathogenic (1 of 4 stars; one submission).

Conditions:
Capillary malformation-arteriovenous malformation syndrome. Also called: Capillary malformation-arteriovenous malformation. Identifiers: Orphanet 137667, MedGen C1842180, MONDO:0012016.

Submission:

Labcorp Genetics (formerly Invitae), Labcorp
Classification: Likely pathogenic for Capillary malformation-arteriovenous malformation syndrome. Last evaluated: 2023-08-04. Review status: criteria provided, single submitter. Criteria: Invitae Variant Classification Sherloc (09022015). Collection method: clinical testing. Allele origin: germline.
Comment: This sequence change affects a donor splice site in intron 3 of the RASA1 gene. It is expected to disrupt RNA splicing. Variants that disrupt the donor or acceptor splice site typically lead to a loss of protein function (PMID: 16199547), and loss-of-function variants in RASA1 are known to be pathogenic (PMID: 24038909). This variant is not present in population databases (gnomAD no frequency). Disruption of this splice site has been observed in individual(s) with RASA1-related conditions (Invitae). ClinVar contains an entry for this variant (Variation ID: 2068977). Algorithms developed to predict the effect of sequence changes on RNA splicing suggest that this variant may disrupt the consensus splice site. In summary, the currently available evidence indicates that the variant is pathogenic, but additional data are needed to prove that conclusively. Therefore, this variant has been classified as Likely Pathogenic.

Literature cited by the submitters: PubMed 16199547; PubMed 24038909.